The following is an entry in ClinVar:

NM_016169.4(SUFU):c.1147C>T (p.Leu383Phe)

Gene: SUFU (SUFU negative regulator of hedgehog signaling; plus strand). Cytogenetic location: 10q24.32.
Variant type: single nucleotide variant.
Coding change: c.1147C>T on transcript NM_016169.4 (MANE Select); coding-DNA position 1147, C replaced by T.
Protein change: p.Leu383Phe; replaces leucine 383 with phenylalanine.
Molecular consequence: missense variant.
Genome position (GRCh38, 1-based): chr10:102,615,392, C>T. VCF-style: chr10-102615392-C-T. GRCh37 (hg19) VCF-style: chr10-104375149-C-T.
Other names: c.1147C>T, p.Leu383Phe (NM_001178133.2); short protein forms L383F.
Identifiers: ClinVar variation 2414202 (VCV002414202.12), dbSNP rs991500079, ClinGen allele CA377914556.

ClinVar aggregate classification (germline): Uncertain significance. Review status: criteria provided, multiple submitters, no conflicts (2 of 4 stars). 2 submissions from 2 submitters: Uncertain significance (2). Last evaluated 2024-12-09.

Conditions:
Hereditary cancer-predisposing syndrome. Also called: Hereditary neoplastic syndrome; Tumor predisposition; Neoplastic Syndromes, Hereditary; Hereditary Cancer Syndrome. Identifiers: Orphanet 140162, MedGen C0027672, MeSH D009386, MONDO:0015356.
Medulloblastoma (MDB). Also called: MEDULLOBLASTOMA PREDISPOSITION SYNDROME; Medulloblastoma, somatic. Identifiers: Orphanet 616, MedGen C0025149, MeSH D008527, MONDO:0007959, OMIM 155255, HP:0002885.
Gorlin syndrome. Also called: Nevoid Basal Cell Carcinoma Syndrome; Basal cell nevus syndrome. Identifiers: Orphanet 377, MedGen C0004779, MONDO:0007187.

gnomAD v4.1: 2 of 1,614,086 alleles (0.00012%); highest among the groups gnomAD compares: Non-Finnish European, 0.00017%; no homozygotes.

Submissions (2):

Ambry Genetics
Classification: Uncertain significance for Hereditary cancer-predisposing syndrome. Last evaluated: 2024-12-09. Review status: criteria provided, single submitter. Criteria: Ambry Variant Classification Scheme 2023. Collection method: clinical testing. Allele origin: germline.
Comment: The p.L383F variant (also known as c.1147C>T), located in coding exon 9 of the SUFU gene, results from a C to T substitution at nucleotide position 1147. The leucine at codon 383 is replaced by phenylalanine, an amino acid with highly similar properties. This amino acid position is conserved. In addition, the in silico prediction for this alteration is inconclusive. Since supporting evidence is limited at this time, the clinical significance of this alteration remains unclear.

Labcorp Genetics (formerly Invitae), Labcorp
Classification: Uncertain significance for Gorlin syndrome; Medulloblastoma. Last evaluated: 2022-03-04. Review status: criteria provided, single submitter. Criteria: Invitae Variant Classification Sherloc (09022015). Collection method: clinical testing. Allele origin: germline.
Comment: Algorithms developed to predict the effect of missense changes on protein structure and function are either unavailable or do not agree on the potential impact of this missense change (SIFT: "Deleterious"; PolyPhen-2: "Benign"; Align-GVGD: "Class C0"). In summary, the available evidence is currently insufficient to determine the role of this variant in disease. Therefore, it has been classified as a Variant of Uncertain Significance. This variant has not been reported in the literature in individuals affected with SUFU-related conditions. This variant is not present in population databases (gnomAD no frequency). This sequence change replaces leucine, which is neutral and non-polar, with phenylalanine, which is neutral and non-polar, at codon 383 of the SUFU protein (p.Leu383Phe).